The following is an entry in ClinVar:

ClinVar aggregate classification (germline): Uncertain significance (1 of 4 stars; one submission).

Conditions:
DICER1-related tumor predisposition. Also called: DICER1-related pleuropulmonary blastoma cancer predisposition syndrome; DICER1 syndrome. Identifiers: Orphanet 284343, MedGen C3839822, MONDO:0100216.

Submission:

Labcorp Genetics (formerly Invitae), Labcorp
Classification: Uncertain significance for DICER1-related tumor predisposition. Last evaluated: 2025-10-17. Review status: criteria provided, single submitter. Criteria: Invitae Variant Classification Sherloc (09022015). Collection method: clinical testing. Allele origin: germline.
Comment: This variant, c.4998_5018del, results in the deletion of 7 amino acid(s) of the DICER1 protein (p.Glu1667_Ile1673del), but otherwise preserves the integrity of the reading frame. This variant is not present in population databases (gnomAD no frequency). This variant has not been reported in the literature in individuals affected with DICER1-related conditions. Experimental studies and prediction algorithms are not available or were not evaluated, and the functional significance of this variant is currently unknown. In summary, the available evidence is currently insufficient to determine the role of this variant in disease. Therefore, it has been classified as a Variant of Uncertain Significance.

NM_177438.3(DICER1):c.4998_5018del (p.Glu1667_Ile1673del)

Gene: DICER1 (dicer 1, ribonuclease III; minus strand). Cytogenetic location: 14q32.13.
Variant type: Deletion.
Coding change: c.4998_5018del on transcript NM_177438.3 (MANE Select); coding-DNA positions 4998 to 5018, 21 bases deleted (TGAAAATTTTGAAAAGAAAAT).
Protein change: p.Glu1667_Ile1673del.
Molecular consequence: non-coding transcript variant (on NR_172715.1).
Genome position (GRCh38, 1-based): chr14:95,095,902-95,095,922, ATTTTCTTTTCAAAATTTTCA deleted on the plus strand (TGAAAATTTTGAAAAGAAAAT on the coding strand, the reverse complement: DICER1 is on the minus strand); deleting any 21 consecutive bases within chr14:95,095,902-95,095,923 gives the same sequence; the c. name uses the placement nearest the transcript's 3' end. VCF-style (leftmost placement, unchanged base first): chr14-95095901-GATTTTCTTTTCAAAATTTTCA-G. GRCh37 (hg19) VCF-style: chr14-95562238-GATTTTCTTTTCAAAATTTTCA-G.
Other names: c.4998_5018del, p.Glu1667_Ile1673del (NM_001195573.1, NM_001271282.3, NM_001291628.2 and 12 more transcripts); c.4716_4736del, p.Glu1573_Ile1579del (NM_001395686.1); c.4593_4613del, p.Glu1532_Ile1538del (NM_001395687.1, NM_001395688.1, NM_001395689.1 and 2 more transcripts); c.4431_4451del, p.Glu1478_Ile1484del (NM_001395691.1); c.3315_3335del, p.Glu1106_Ile1112del (NM_001395697.1).
Identifiers: ClinVar variation 4799072 (VCV004799072.1).